The following is an entry in ClinVar:

NM_018836.4(AJAP1):c.778A>G (p.Ser260Gly)

Gene: AJAP1 (adherens junctions associated protein 1; plus strand). Cytogenetic location: 1p36.32.
Variant type: single nucleotide variant.
Coding change: c.778A>G on transcript NM_018836.4 (MANE Select); coding-DNA position 778, A replaced by G.
Protein change: p.Ser260Gly; replaces serine 260 with glycine.
Molecular consequence: missense variant.
Genome position (GRCh38, 1-based): chr1:4,712,648, A>G. VCF-style: chr1-4712648-A-G. GRCh37 (hg19) VCF-style: chr1-4772708-A-G.
Other names: c.778A>G, p.Ser260Gly (NM_001042478.2); short protein forms S260G.
Identifiers: ClinVar variation 2484041 (VCV002484041.3), dbSNP rs1200789156, ClinGen allele CA338046950.

ClinVar aggregate classification (germline): Uncertain significance. Review status: criteria provided, multiple submitters, no conflicts (2 of 4 stars). 2 submissions from 2 submitters: Uncertain significance (2). Last evaluated 2025-10-19.

Allele frequency attached by ClinVar (database versions not stated): gnomAD exomes below 0.00001.
gnomAD v4.1: 1 of 1,547,528 alleles (0.000065%); highest among the groups gnomAD compares: Non-Finnish European, 0.000088%; no homozygotes.

Submissions (2):

Labcorp Genetics (formerly Invitae), Labcorp
Classification: Uncertain significance. Last evaluated: 2025-10-19. Review status: criteria provided, single submitter. Criteria: Invitae Variant Classification Sherloc (09022015). Collection method: clinical testing. Allele origin: germline.
Comment: This sequence change replaces serine, which is neutral and polar, with glycine, which is neutral and non-polar, at codon 260 of the AJAP1 protein (p.Ser260Gly). This variant is not present in population databases (gnomAD no frequency). This variant has not been reported in the literature in individuals affected with AJAP1-related conditions. ClinVar contains an entry for this variant (Variation ID: 2484041). An algorithm developed to predict the effect of missense changes on protein structure and function outputs the following: PolyPhen-2: "Possibly Damaging". The glycine amino acid residue is found in multiple mammalian species, which suggests that this missense change does not adversely affect protein function. In summary, the available evidence is currently insufficient to determine the role of this variant in disease. Therefore, it has been classified as a Variant of Uncertain Significance.

Ambry Genetics
Classification: Uncertain significance. Last evaluated: 2023-02-15. Review status: criteria provided, single submitter. Criteria: Ambry Variant Classification Scheme 2023. Collection method: clinical testing. Allele origin: germline.